The following is an entry in ClinVar:

ClinVar aggregate classification (germline): Conflicting classifications of pathogenicity. Review status: criteria provided, conflicting classifications (1 of 4 stars). 2 submissions from 2 submitters: Uncertain significance (1); Likely benign (1). Last evaluated 2024-06-09.

Conditions:
Cardiovascular phenotype. Identifiers: MedGen CN230736.
Arrhythmogenic right ventricular dysplasia 8 (ARVD8). Also called: Arrhythmogenic Right Ventricular Dysplasia/Cardiomyopathy 8; ARRHYTHMOGENIC RIGHT VENTRICULAR DYSPLASIA, FAMILIAL, 8; ARRHYTHMOGENIC RIGHT VENTRICULAR CARDIOMYOPATHY 8. Identifiers: MedGen C1843896, MONDO:0011831, OMIM 607450.
Arrhythmogenic cardiomyopathy with wooly hair and keratoderma. Also called: Carvajal syndrome; PALMOPLANTAR KERATODERMA WITH LEFT VENTRICULAR CARDIOMYOPATHY AND WOOLLY HAIR; Dilated cardiomyopathy with woolly hair and keratoderma; Arrhythmogenic cardiomyopathy with woolly hair and keratoderma. Identifiers: Orphanet 65282, MedGen C1854063, MONDO:0011581, OMIM 605676.

Allele frequency attached by ClinVar (database versions not stated): gnomAD exomes below 0.00001; TOPMed below 0.00001.
gnomAD v4.1: 1 of 1,613,824 alleles (0.000062%); highest among the groups gnomAD compares: Admixed American, 0.0017%; no homozygotes.

Submissions (2):

Ambry Genetics
Classification: Uncertain significance for Cardiovascular phenotype. Last evaluated: 2024-06-09. Review status: criteria provided, single submitter. Criteria: Ambry Variant Classification Scheme 2023. Collection method: clinical testing. Allele origin: germline.
Comment: The p.Q1830R variant (also known as c.5489A>G), located in coding exon 24 of the DSP gene, results from an A to G substitution at nucleotide position 5489. The glutamine at codon 1830 is replaced by arginine, an amino acid with highly similar properties. This amino acid position is conserved. In addition, this alteration is predicted to be tolerated by in silico analysis. Based on the available evidence, the clinical significance of this variant remains unclear.

Labcorp Genetics (formerly Invitae), Labcorp
Classification: Likely benign for Arrhythmogenic cardiomyopathy with wooly hair and keratoderma; Arrhythmogenic right ventricular dysplasia 8. Last evaluated: 2022-03-16. Review status: criteria provided, single submitter. Criteria: Invitae Variant Classification Sherloc (09022015). Collection method: clinical testing. Allele origin: germline.

NM_004415.4(DSP):c.5489A>G (p.Gln1830Arg)

Gene: DSP (desmoplakin; plus strand). Cytogenetic location: 6p24.3.
Variant type: single nucleotide variant.
Coding change: c.5489A>G on transcript NM_004415.4 (MANE Select); coding-DNA position 5489, A replaced by G.
Protein change: p.Gln1830Arg; replaces glutamine 1830 with arginine.
Molecular consequence: missense variant.
Genome position (GRCh38, 1-based): chr6:7,582,751, A>G. VCF-style: chr6-7582751-A-G. GRCh37 (hg19) VCF-style: chr6-7582984-A-G.
Other names: c.3692A>G, p.Gln1231Arg (NM_001008844.3); c.4160A>G, p.Gln1387Arg (NM_001319034.2); short protein forms Q1231R, Q1387R, Q1830R.
Identifiers: ClinVar variation 2421314 (VCV002421314.10), dbSNP rs1315179643, ClinGen allele CA362688737.
Genomic context (GRCh38, chr6:7,582,751, plus strand): 5'-AGGAAAGAGAGAGCCTTCTGGTGAAAATCAAAGTCCTGGAGCAAGACAAGGCAAGGCTGC[A>G]GAGGCTGGAGGATGAGCTGAATCGTGCAAAATCAACTCTAGAGGCAGAAACCAGGGTGAA-3'
Protein context (NP_004406.2, residues 1820-1840): KVLEQDKARL[Gln1830Arg]RLEDELNRAK